The following is an entry in ClinVar:

ClinVar aggregate classification (germline): Pathogenic (1 of 4 stars; one submission).

Conditions:
EPILEPSY, CHILDHOOD ABSENCE, SUSCEPTIBILITY TO, 2 (ECA2). Identifiers: Orphanet 64280, MedGen C1843244, OMIM 607681.
Febrile seizures, familial, 8 (FEB8). Also called: CONVULSIONS, FAMILIAL FEBRILE, 8. Identifiers: Orphanet 36387, MedGen C1969810, MONDO:0011891, OMIM 607681.

Submission:

Labcorp Genetics (formerly Invitae), Labcorp
Classification: Pathogenic for Febrile seizures, familial, 8; EPILEPSY, CHILDHOOD ABSENCE, SUSCEPTIBILITY TO, 2. Last evaluated: 2022-03-26. Review status: criteria provided, single submitter. Criteria: Invitae Variant Classification Sherloc (09022015). Collection method: clinical testing. Allele origin: germline.
Comment: For these reasons, this variant has been classified as Pathogenic. This variant has not been reported in the literature in individuals affected with GABRG2-related conditions. This variant is not present in population databases (gnomAD no frequency). This sequence change creates a premature translational stop signal (p.Gln239*) in the GABRG2 gene. It is expected to result in an absent or disrupted protein product. Loss-of-function variants in GABRG2 are known to be pathogenic (PMID: 22539854, 22750526, 24407264).

Literature cited by the submitters: PubMed 22539854; PubMed 22750526; PubMed 24407264.

NM_198904.4(GABRG2):c.715C>T (p.Gln239Ter)

Gene: GABRG2 (gamma-aminobutyric acid type A receptor subunit gamma2; plus strand). Cytogenetic location: 5q34.
Variant type: single nucleotide variant.
Coding change: c.715C>T on transcript NM_198904.4 (MANE Select); coding-DNA position 715, C replaced by T.
Protein change: p.Gln239Ter; replaces glutamine 239 with a stop codon.
Molecular consequence: nonsense.
Genome position (GRCh38, 1-based): chr5:162,103,972, C>T. VCF-style: chr5-162103972-C-T. GRCh37 (hg19) VCF-style: chr5-161530978-C-T.
Other names: c.715C>T, p.Gln239Ter (NM_000816.3, NM_001375340.1, NM_001375341.1 and 2 more transcripts); c.706C>T, p.Gln236Ter (NM_001375339.1); c.835C>T, p.Gln279Ter (NM_001375343.1, NM_198903.2); c.649C>T, p.Gln217Ter (NM_001375345.1, NM_001375346.1); c.628C>T, p.Gln210Ter (NM_001375347.1); c.295C>T, p.Gln99Ter (NM_001375348.1, NM_001375350.1); c.430C>T, p.Gln144Ter (NM_001375349.1); short protein forms Q236*, Q99*, Q239*, Q144*, Q210*, Q217*, Q279*.
Identifiers: ClinVar variation 2117624 (VCV002117624.4), dbSNP rs2532592628, ClinGen allele CA362185149.